The following is an entry in ClinVar:

NM_000426.4(LAMA2):c.2430A>C (p.Pro810=)

Gene: LAMA2 (laminin subunit alpha 2; plus strand). Cytogenetic location: 6q22.33.
Variant type: single nucleotide variant.
Coding change: c.2430A>C on transcript NM_000426.4 (MANE Select); coding-DNA position 2430, A replaced by C.
Protein change: p.Pro810=; no amino-acid change (proline 810 retained).
Molecular consequence: synonymous variant.
Genome position (GRCh38, 1-based): chr6:129,270,731, A>C. VCF-style: chr6-129270731-A-C. GRCh37 (hg19) VCF-style: chr6-129591876-A-C.
Other names: c.2430A>C, p.Pro810= (NM_001079823.2).
Identifiers: ClinVar variation 387005 (VCV000387005.24), dbSNP rs147572139, ClinGen allele CA3992928.

ClinVar aggregate classification (germline): Benign/Likely benign. Review status: criteria provided, multiple submitters, no conflicts (2 of 4 stars). 5 submissions from 5 submitters: Benign (2); Likely benign (3). Last evaluated 2026-01-28.

Conditions:
LAMA2-related muscular dystrophy (LAMA2-RD). Also called: Laminin alpha 2-related dystrophy. Identifiers: MedGen C5679788, MONDO:0100228.

Allele frequency attached by ClinVar (database versions not stated): gnomAD 0.00185; TOPMed 0.00235; ESP Exome Variant Server 0.00277; 1000 Genomes Project 30x 0.00297; 1000 Genomes Project 0.00300.
gnomAD v4.1: 611 of 1,613,234 alleles (0.038%); highest among the groups gnomAD compares: African/African-American, 0.76%; 5 homozygotes.

Submissions (5):

Labcorp Genetics (formerly Invitae), Labcorp
Classification: Benign for LAMA2-related muscular dystrophy. Last evaluated: 2026-01-28. Review status: criteria provided, single submitter. Criteria: Invitae Variant Classification Sherloc (09022015). Collection method: clinical testing. Allele origin: germline.

CeGaT Center for Human Genetics Tuebingen
Classification: Likely benign. Last evaluated: 2025-05-01. Review status: criteria provided, single submitter. Criteria: CeGaT Center For Human Genetics Tuebingen Variant Classification Criteria Version 2. Collection method: clinical testing. Allele origin: germline. Affected: yes. Observed: 1 variant allele.
Comment: LAMA2: BP4, BP7

Blueprint Genetics
Classification: Likely benign. Last evaluated: 2024-08-28. Review status: criteria provided, single submitter. Criteria: ACMG Guidelines, 2015. Collection method: clinical testing. Allele origin: germline.

GeneDx
Classification: Likely benign. Last evaluated: 2019-06-14. Review status: criteria provided, single submitter. Criteria: GeneDx Variant Classification Process June 2021. Collection method: clinical testing. Allele origin: germline. Affected: yes.

Athena Diagnostics
Classification: Benign. Last evaluated: 2016-09-19. Review status: criteria provided, single submitter. Criteria: Athena Diagnostics Criteria. Collection method: clinical testing. Allele origin: germline.